The following is an entry in ClinVar:

NM_001478.5(B4GALNT1):c.754C>T (p.Arg252Cys)

Gene: B4GALNT1 (beta-1,4-N-acetyl-galactosaminyltransferase 1; minus strand). Cytogenetic location: 12q13.3.
Variant type: single nucleotide variant.
Coding change: c.754C>T on transcript NM_001478.5 (MANE Select); coding-DNA position 754, C replaced by T.
Protein change: p.Arg252Cys; replaces arginine 252 with cysteine.
Molecular consequence: missense variant.
Genome position (GRCh38, 1-based): chr12:57,629,105, G>A on the plus strand (C>T on the coding strand, the complement: B4GALNT1 is on the minus strand). VCF-style: chr12-57629105-G-A. GRCh37 (hg19) VCF-style: chr12-58022888-G-A.
Other names: c.589C>T, p.Arg197Cys (NM_001276468.2); short protein forms R252C, R197C.
Identifiers: ClinVar variation 458225 (VCV000458225.8), dbSNP rs368334961, ClinGen allele CA6655653.

ClinVar aggregate classification (germline): Uncertain significance (1 of 4 stars; one submission).

Conditions:
Spastic paraplegia. Identifiers: MedGen C0037772, HP:0001258.

Allele frequency attached by ClinVar (database versions not stated): ESP Exome Variant Server 0.00008; gnomAD 0.00004; TOPMed 0.00006.
gnomAD v4.1: 152 of 1,599,314 alleles (0.0095%); highest among the groups gnomAD compares: Non-Finnish European, 0.012%; no homozygotes.

Submission:

Labcorp Genetics (formerly Invitae), Labcorp
Classification: Uncertain significance for Spastic paraplegia. Last evaluated: 2024-10-25. Review status: criteria provided, single submitter. Criteria: Invitae Variant Classification Sherloc (09022015). Collection method: clinical testing. Allele origin: germline.
Comment: This sequence change replaces arginine, which is basic and polar, with cysteine, which is neutral and slightly polar, at codon 252 of the B4GALNT1 protein (p.Arg252Cys). This variant is present in population databases (rs368334961, gnomAD 0.01%). This variant has not been reported in the literature in individuals affected with B4GALNT1-related conditions. ClinVar contains an entry for this variant (Variation ID: 458225). Invitae Evidence Modeling of protein sequence and biophysical properties (such as structural, functional, and spatial information, amino acid conservation, physicochemical variation, residue mobility, and thermodynamic stability) indicates that this missense variant is not expected to disrupt B4GALNT1 protein function with a negative predictive value of 80%. In summary, the available evidence is currently insufficient to determine the role of this variant in disease. Therefore, it has been classified as a Variant of Uncertain Significance.